The following is an entry in ClinVar:

NM_006946.4(SPTBN2):c.4360C>A (p.Gln1454Lys)

Gene: SPTBN2 (spectrin beta, non-erythrocytic 2; minus strand). Cytogenetic location: 11q13.2.
Variant type: single nucleotide variant.
Coding change: c.4360C>A on transcript NM_006946.4 (MANE Select); coding-DNA position 4360, C replaced by A.
Protein change: p.Gln1454Lys; replaces glutamine 1454 with lysine.
Molecular consequence: missense variant.
Genome position (GRCh38, 1-based): chr11:66,694,282, G>T on the plus strand (C>A on the coding strand, the complement: SPTBN2 is on the minus strand). VCF-style: chr11-66694282-G-T. GRCh37 (hg19) VCF-style: chr11-66461753-G-T.
Other names: short protein forms Q1454K.
Identifiers: ClinVar variation 1520474 (VCV001520474.8), dbSNP rs761287825, ClinGen allele CA6128607.

ClinVar aggregate classification (germline): Uncertain significance (1 of 4 stars; one submission).

Allele frequency attached by ClinVar (database versions not stated): gnomAD exomes below 0.00001 and 0.00001; ExAC 0.00002.
gnomAD v4.1: 2 of 1,614,210 alleles (0.00012%); highest among the groups gnomAD compares: South Asian, 0.0022%; no homozygotes.

Submission:

Labcorp Genetics (formerly Invitae), Labcorp
Classification: Uncertain significance. Last evaluated: 2021-07-06. Review status: criteria provided, single submitter. Criteria: Invitae Variant Classification Sherloc (09022015). Collection method: clinical testing. Allele origin: germline.
Comment: This variant has not been reported in the literature in individuals affected with SPTBN2-related conditions. This sequence change replaces glutamine with lysine at codon 1454 of the SPTBN2 protein (p.Gln1454Lys). The glutamine residue is moderately conserved and there is a small physicochemical difference between glutamine and lysine. This variant is present in population databases (rs761287825, ExAC 0.01%). Advanced modeling of protein sequence and biophysical properties (such as structural, functional, and spatial information, amino acid conservation, physicochemical variation, residue mobility, and thermodynamic stability) performed at Invitae indicates that this missense variant is not expected to disrupt SPTBN2 protein function. In summary, the available evidence is currently insufficient to determine the role of this variant in disease. Therefore, it has been classified as a Variant of Uncertain Significance.